The following is an entry in ClinVar:

ClinVar aggregate classification (germline): Benign. Review status: criteria provided, multiple submitters, no conflicts (2 of 4 stars). 6 submissions from 6 submitters: Benign (6). Last evaluated 2025-08-13.

Conditions:
Interstitial lung disease 2 (ILD2). Also called: Familial idiopathic pulmonary fibrosis; FIBROCYSTIC PULMONARY DYSPLASIA; FIBROSING ALVEOLITIS, CRYPTOGENIC. Identifiers: Orphanet 2032, Orphanet 79126, MedGen C5561926, MONDO:0800497, OMIM 178500, MONDO:0800029.

Allele frequency attached by ClinVar (database versions not stated): gnomAD exomes 0.21716; ExAC 0.22159; TOPMed 0.24829; gnomAD 0.25109 and 0.25261; ESP Exome Variant Server 0.25342; 1000 Genomes Project 0.25479; 1000 Genomes Project 30x 0.25828.

Submissions (6):

Mayo Clinic Laboratories, Mayo Clinic
Classification: Benign. Last evaluated: 2025-08-13. Review status: criteria provided, single submitter. Criteria: ACMG Guidelines, 2015. Collection method: clinical testing. Allele origin: germline. Observed: 4 variant alleles.
Comment: BA1, BP4_strong

Blueprint Genetics
Classification: Benign. Last evaluated: 2024-11-27. Review status: criteria provided, single submitter. Criteria: ACMG Guidelines, 2015. Collection method: clinical testing. Allele origin: germline.

Genome-Nilou Lab
Classification: Benign for Interstitial lung disease 2. Last evaluated: 2021-07-15. Review status: criteria provided, single submitter. Criteria: ACMG Guidelines, 2015. Collection method: clinical testing. Allele origin: germline. Affected: no.

GeneDx
Classification: Benign. Last evaluated: 2020-05-06. Review status: criteria provided, single submitter. Criteria: GeneDx Variant Classification Process June 2021. Collection method: clinical testing. Allele origin: germline. Affected: yes.
Comment: This variant is associated with the following publications: (PMID: 26436397, 24950659, 16292672, 23056344, 20466729)

Laboratory for Molecular Medicine, Mass General Brigham Personalized Medicine
Classification: Benign. Last evaluated: 2014-11-26. Review status: criteria provided, single submitter. Criteria: LMM Criteria. Collection method: clinical testing. Allele origin: germline. Observed: 32 variant alleles.
Comment: p.Gln223Lys in exon 6 of SFTPA2: This variant is not expected to have clinical s ignificance because it has been identified in 36% (1576/4406) of African America n chromosomes by the NHLBI Exome Sequencing Project (u/EVS/; dbSNP rs1965708).

Breakthrough Genomics
Classification: Benign. Review status: criteria provided, single submitter. Criteria: ACMG Guidelines, 2015. Collection method: not provided. Allele origin: germline. Inheritance: Autosomal dominant inheritance. Affected: yes.

Literature cited by the submitters: PubMed 20466729 (cited by Laboratory for Molecular Medicine, Mass General Brigham Personalized Medicine); PubMed 23056344 (cited by Laboratory for Molecular Medicine, Mass General Brigham Personalized Medicine); PubMed 16292672 (cited by Laboratory for Molecular Medicine, Mass General Brigham Personalized Medicine); PubMed 19100526 (cited by Laboratory for Molecular Medicine, Mass General Brigham Personalized Medicine).

NM_001098668.4(SFTPA2):c.667C>A (p.Gln223Lys)

Gene: SFTPA2 (surfactant protein A2; minus strand). Cytogenetic location: 10q22.3.
Variant type: single nucleotide variant.
Coding change: c.667C>A on transcript NM_001098668.4 (MANE Select); coding-DNA position 667, C replaced by A.
Protein change: p.Gln223Lys; replaces glutamine 223 with lysine.
Molecular consequence: missense variant.
Genome position (GRCh38, 1-based): chr10:79,557,289, G>T on the plus strand (C>A on the coding strand, the complement: SFTPA2 is on the minus strand). VCF-style: chr10-79557289-G-T. GRCh37 (hg19) VCF-style: chr10-81317045-G-T.
Other names: c.667C>A, p.Gln223Lys (NM_001320813.2); c.697C>A, p.Gln233Lys (NM_001320814.1); short protein forms Q223K, Q233K.
Identifiers: ClinVar variation 227071 (VCV000227071.13), dbSNP rs1965708, ClinGen allele CA5573983.